The following is an entry in ClinVar:

ClinVar aggregate classification (germline): Likely benign (1 of 4 stars; one submission).

gnomAD v4.1: 215 of 398,716 alleles (0.054%); highest among the groups gnomAD compares: South Asian, 0.064%; no homozygotes.

Submission:

CeGaT Center for Human Genetics Tuebingen
Classification: Likely benign. Last evaluated: 2025-12-01. Review status: criteria provided, single submitter. Criteria: CeGaT Center For Human Genetics Tuebingen Variant Classification Criteria Version 2. Collection method: clinical testing. Allele origin: germline. Affected: yes. Observed: 3 variant alleles.
Comment: KCNQ1OT1: BS1

NM_000218.3(KCNQ1):c.1514+25667C>T

Genes: KCNQ1 (potassium voltage-gated channel subfamily Q member 1; plus strand), KCNQ1OT1 (KCNQ1 opposite strand/antisense transcript 1; minus strand). Cytogenetic location: 11p15.5.
Variant type: single nucleotide variant.
Coding change: c.1514+25667C>T on transcript NM_000218.3 (MANE Select); 25667 bases into the intron after coding-DNA position 1514, C replaced by T.
Molecular consequence: intron variant. On other transcripts: non-coding transcript variant (1).
Genome position (GRCh38, 1-based): chr11:2,687,748, C>T. VCF-style: chr11-2687748-C-T. GRCh37 (hg19) VCF-style: chr11-2708978-C-T.
Other names: c.1244+25667C>T (NM_001406837.1); c.1418+25667C>T (NM_001406836.1); c.974+25667C>T (NM_001406838.1); c.1133+25667C>T (NM_181798.2).
Identifiers: ClinVar variation 4084851 (VCV004084851.8).
Genomic context (GRCh38, chr11:2,687,748, plus strand): 5'-CAGTGTTGGAATGGGTCTGGGCCCAGATTTCAAGCCAGTAACCAGCAAATCATGGGGAGA[C>T]TGAGAAGAGGAGCCCCTTAGCAGGCCTAACCACACCCCTAAGCCACCCAGCCTGGCCCCC-3'